The following is an entry in ClinVar:

ClinVar aggregate classification (germline): Uncertain significance (1 of 4 stars; one submission).

Conditions:
Pyruvate carboxylase deficiency. Also called: LEIGH NECROTIZING ENCEPHALOPATHY DUE TO PYRUVATE CARBOXYLASE DEFICIENCY; LEIGH SYNDROME DUE TO PYRUVATE CARBOXYLASE DEFICIENCY; ATAXIA WITH LACTIC ACIDOSIS II; PC DEFICIENCY; Pyruvate Carboxylase Deficiency Disease. Identifiers: Orphanet 3008, MedGen C0034341, MONDO:0009949, OMIM 266150.

Submission:

Labcorp Genetics (formerly Invitae), Labcorp
Classification: Uncertain significance for Pyruvate carboxylase deficiency. Last evaluated: 2025-05-05. Review status: criteria provided, single submitter. Criteria: Invitae Variant Classification Sherloc (09022015). Collection method: clinical testing. Allele origin: germline.
Comment: This sequence change replaces lysine, which is basic and polar, with methionine, which is neutral and non-polar, at codon 104 of the PC protein (p.Lys104Met). This variant is not present in population databases (gnomAD no frequency). This variant has not been reported in the literature in individuals affected with PC-related conditions. ClinVar contains an entry for this variant (Variation ID: 2104993). Invitae Evidence Modeling of protein sequence and biophysical properties (such as structural, functional, and spatial information, amino acid conservation, physicochemical variation, residue mobility, and thermodynamic stability) has been performed for this missense variant. However, the output from this modeling did not meet the statistical confidence thresholds required to predict the impact of this variant on PC protein function. In summary, the available evidence is currently insufficient to determine the role of this variant in disease. Therefore, it has been classified as a Variant of Uncertain Significance.

NM_001040716.2(PC):c.311A>T (p.Lys104Met)

Gene: PC (pyruvate carboxylase; minus strand). Cytogenetic location: 11q13.2.
Variant type: single nucleotide variant.
Coding change: c.311A>T on transcript NM_001040716.2 (MANE Select); coding-DNA position 311, A replaced by T.
Protein change: p.Lys104Met; replaces lysine 104 with methionine.
Molecular consequence: missense variant.
Genome position (GRCh38, 1-based): chr11:66,871,697, T>A on the plus strand (A>T on the coding strand, the complement: PC is on the minus strand). VCF-style: chr11-66871697-T-A. GRCh37 (hg19) VCF-style: chr11-66639168-T-A.
Other names: c.311A>T, p.Lys104Met (NM_000920.4, NM_022172.3); short protein forms K104M.
Identifiers: ClinVar variation 2104993 (VCV002104993.4), dbSNP rs2495796375, ClinGen allele CA381502725.